The following is an entry in ClinVar:

ClinVar aggregate classification (germline): Likely benign. Review status: criteria provided, multiple submitters, no conflicts (2 of 4 stars). 3 submissions from 3 submitters: Likely benign (2). 1 of the submissions does not count toward it. Last evaluated 2026-09-01.

Conditions:
NFIB-related disorder. Also called: NFIB-related condition.

Allele frequency attached by ClinVar (database versions not stated): 1000 Genomes Project 0.00040; 1000 Genomes Project 30x 0.00078; ExAC 0.00152.
gnomAD v4.1: 4,047 of 1,523,380 alleles (0.27%); highest among the groups gnomAD compares: Non-Finnish European, 0.33%; 4 homozygotes.

Submissions (3):

CeGaT Center for Human Genetics Tuebingen
Classification: Likely benign. Last evaluated: 2026-09-01. Review status: criteria provided, single submitter. Criteria: CeGaT Center For Human Genetics Tuebingen Variant Classification Criteria Version 2. Collection method: clinical testing. Allele origin: germline. Affected: yes. Observed: 7 variant alleles.
Comment: NFIB: BS1

Blueprint Genetics
Classification: Likely benign. Last evaluated: 2024-11-21. Review status: criteria provided, single submitter. Criteria: ACMG Guidelines, 2015. Collection method: clinical testing. Allele origin: germline.

PreventionGenetics, part of Exact Sciences
Classification: Benign for NFIB-related condition. Last evaluated: 2019-02-20. Review status: no assertion criteria provided. Collection method: clinical testing. Allele origin: germline. Not counted in ClinVar's aggregate classification.
Comment: This variant is classified as benign based on ACMG/AMP sequence variant interpretation guidelines (Richards et al. 2015 PMID: 25741868, with internal and published modifications).

NM_001190737.2(NFIB):c.1264G>C (p.Val422Leu)

Gene: NFIB (nuclear factor I B; minus strand). Cytogenetic location: 9p23.
Variant type: single nucleotide variant.
Coding change: c.1264G>C on transcript NM_001190737.2 (MANE Select); coding-DNA position 1264, G replaced by C.
Protein change: p.Val422Leu; replaces valine 422 with leucine.
Molecular consequence: missense variant. On other transcripts: intron variant (18).
Genome position (GRCh38, 1-based): chr9:14,116,328, C>G on the plus strand (G>C on the coding strand, the complement: NFIB is on the minus strand). VCF-style: chr9-14116328-C-G. GRCh37 (hg19) VCF-style: chr9-14116327-C-G.
Other names: c.508G>C, p.Val170Leu (NM_001282787.2); c.1330G>C, p.Val444Leu (NM_001369458.1, NM_001369459.1); c.1252G>C, p.Val418Leu (NM_001369460.1, NM_001369463.1); c.1264G>C, p.Val422Leu (NM_001369461.1); c.1237G>C, p.Val413Leu (NM_001369465.1); c.1027G>C, p.Val343Leu (NM_001369470.1); c.1245+4112G>C (NM_005596.3, NM_001369464.1); c.1311+4112G>C (NM_001369468.1, NM_001369462.1); and 12 more; short protein forms V170L, V343L, V413L, V418L, V422L, V444L.
Identifiers: ClinVar variation 2499087 (VCV002499087.30), dbSNP rs72698746, ClinGen allele CA4988430.